The following is an entry in ClinVar:

NM_152263.4(TPM3):c.566+18C>G

Gene: TPM3 (tropomyosin 3; minus strand). Cytogenetic location: 1q21.3.
Variant type: single nucleotide variant.
Coding change: c.566+18C>G on transcript NM_152263.4 (MANE Select); 18 bases into the intron after coding-DNA position 566, C replaced by G.
Molecular consequence: intron variant.
Genome position (GRCh38, 1-based): chr1:154,172,890, G>C on the plus strand (C>G on the coding strand, the complement: TPM3 is on the minus strand). VCF-style: chr1-154172890-G-C. GRCh37 (hg19) VCF-style: chr1-154145366-G-C.
Other names: c.566+18C>G (NM_001364679.2, NM_001364681.2, NM_001364680.2 and 1 more transcripts); c.257+18C>G (NM_001278188.2); c.455+18C>G (NM_001043351.2, NM_001043353.2, NM_001349679.2 and 5 more transcripts); c.185+18C>G (NM_001278191.2).
Identifiers: ClinVar variation 262625 (VCV000262625.12), dbSNP rs111368844, ClinGen allele CA1125682.
Genomic context (GRCh38, chr1:154,172,890, plus strand): 5'-ATTTATTCATATTAGTGCCCAAGCCAAAGGGGAAGGGATAAATTGGTAATGACAAGATTT[G>C]GGGAGCTAGATACTCACGACTCTGCCAGCTCAGCTCGTTCCTCTGTGCGTTCCAAGTCTC-3'

ClinVar aggregate classification (germline): Benign/Likely benign. Review status: criteria provided, multiple submitters, no conflicts (2 of 4 stars). 5 submissions from 5 submitters: Benign (4); Likely benign (1). Last evaluated 2026-01-11.

Conditions:
Congenital myopathy 4B, autosomal recessive. Also called: Nemaline myopathy 1, autosomal dominant or recessive. Identifiers: Orphanet 171433, Orphanet 171439, Orphanet 171881, MedGen C5829889, MONDO:0012239, OMIM 609284.
Congenital myopathy with fiber type disproportion. Also called: Congenital fiber-type disproportion myopathy; Congenital fiber-type disproportion. Identifiers: Orphanet 2020, MedGen C0546264, MONDO:0009711. Inheritance: all.

Allele frequency attached by ClinVar (database versions not stated): gnomAD exomes 0.00136 and 0.00064; gnomAD 0.00505 and 0.00484; 1000 Genomes Project 0.00819; ESP Exome Variant Server 0.00492; TOPMed 0.00504; 1000 Genomes Project 30x 0.00906; ExAC 0.00165.
gnomAD v4.1: 1,720 of 1,613,998 alleles (0.11%); highest among the groups gnomAD compares: African/African-American, 1.7%; 13 homozygotes.

Submissions (5):

Labcorp Genetics (formerly Invitae), Labcorp
Classification: Benign for Congenital myopathy with fiber type disproportion; Congenital myopathy 4B, autosomal recessive. Last evaluated: 2026-01-11. Review status: criteria provided, single submitter. Criteria: Invitae Variant Classification Sherloc (09022015). Collection method: clinical testing. Allele origin: germline.

Fulgent Genetics
Classification: Likely benign for Congenital myopathy 4A, autosomal dominant; Congenital myopathy 4B, autosomal recessive. Last evaluated: 2022-05-11. Review status: criteria provided, single submitter. Criteria: ACMG Guidelines, 2015. Collection method: clinical testing. Allele origin: unknown.

GeneDx
Classification: Benign. Last evaluated: 2016-07-28. Review status: criteria provided, single submitter. Criteria: GeneDx Variant Classification (06012015). Collection method: clinical testing. Allele origin: germline. Affected: yes.
Comment: This variant is considered likely benign or benign based on one or more of the following criteria: it is a conservative change, it occurs at a poorly conserved position in the protein, it is predicted to be benign by multiple in silico algorithms, and/or has population frequency not consistent with disease.

Breakthrough Genomics
Classification: Benign. Review status: criteria provided, single submitter. Criteria: ACMG Guidelines, 2015. Collection method: not provided. Allele origin: germline. Inheritance: Autosomal dominant inheritance. Affected: yes.

PreventionGenetics, part of Exact Sciences
Classification: Benign. Review status: criteria provided, single submitter. Criteria: ACMG Guidelines, 2015. Collection method: clinical testing. Allele origin: germline.